The following is an entry in ClinVar:

NM_014317.5(PDSS1):c.1142A>G (p.Gln381Arg)

Gene: PDSS1 (decaprenyl diphosphate synthase subunit 1; plus strand). Cytogenetic location: 10p12.1.
Variant type: single nucleotide variant.
Coding change: c.1142A>G on transcript NM_014317.5 (MANE Select); coding-DNA position 1142, A replaced by G.
Protein change: p.Gln381Arg; replaces glutamine 381 with arginine.
Molecular consequence: missense variant. On other transcripts: 3 prime UTR variant (1).
Genome position (GRCh38, 1-based): chr10:26,746,367, A>G. VCF-style: chr10-26746367-A-G. GRCh37 (hg19) VCF-style: chr10-27035296-A-G.
Other names: c.*30A>G (NM_001321978.2); c.632A>G, p.Gln211Arg (NM_001321979.2); short protein forms Q381R, Q211R.
Identifiers: ClinVar variation 1974519 (VCV001974519.4), dbSNP rs2491661378, ClinGen allele CA376352187.

ClinVar aggregate classification (germline): Uncertain significance (1 of 4 stars; one submission).

Allele frequency attached by ClinVar (database versions not stated): gnomAD exomes below 0.00001.
gnomAD v4.1: 3 of 1,614,150 alleles (0.00019%); highest among the groups gnomAD compares: Middle Eastern, 0.016%; no homozygotes.

Submission:

Labcorp Genetics (formerly Invitae), Labcorp
Classification: Uncertain significance. Last evaluated: 2022-07-19. Review status: criteria provided, single submitter. Criteria: Invitae Variant Classification Sherloc (09022015). Collection method: clinical testing. Allele origin: germline.
Comment: In summary, the available evidence is currently insufficient to determine the role of this variant in disease. Therefore, it has been classified as a Variant of Uncertain Significance. Algorithms developed to predict the effect of missense changes on protein structure and function are either unavailable or do not agree on the potential impact of this missense change (SIFT: "Not Available"; PolyPhen-2: "Benign"; Align-GVGD: "Not Available"). This variant has not been reported in the literature in individuals affected with PDSS1-related conditions. This variant is not present in population databases (gnomAD no frequency). This sequence change replaces glutamine, which is neutral and polar, with arginine, which is basic and polar, at codon 381 of the PDSS1 protein (p.Gln381Arg).